The following is an entry in ClinVar:

ClinVar aggregate classification (germline): Likely benign (1 of 4 stars; one submission).

gnomAD v4.1: 20 of 1,563,336 alleles (0.0013%); highest among the groups gnomAD compares: Admixed American, 0.025%; no homozygotes.

Submission:

CeGaT Center for Human Genetics Tuebingen
Classification: Likely benign. Last evaluated: 2026-08-01. Review status: criteria provided, single submitter. Criteria: CeGaT Center For Human Genetics Tuebingen Variant Classification Criteria Version 2. Collection method: clinical testing. Allele origin: germline. Affected: yes. Observed: 1 variant allele.
Comment: INTS1: BP4, BP7

NM_001080453.3(INTS1):c.6354A>G (p.Ala2118=)

Gene: INTS1 (integrator complex subunit 1; minus strand). Cytogenetic location: 7p22.3.
Variant type: single nucleotide variant.
Coding change: c.6354A>G on transcript NM_001080453.3 (MANE Select); coding-DNA position 6354, A replaced by G.
Protein change: p.Ala2118=; no amino-acid change (alanine 2118 retained).
Molecular consequence: synonymous variant.
Genome position (GRCh38, 1-based): chr7:1,470,949, T>C on the plus strand (A>G on the coding strand, the complement: INTS1 is on the minus strand). VCF-style: chr7-1470949-T-C. GRCh37 (hg19) VCF-style: chr7-1510585-T-C.
Identifiers: ClinVar variation 5039246 (VCV005039246.1).